The following is an entry in ClinVar:

ClinVar aggregate classification (germline): Uncertain significance. Review status: criteria provided, multiple submitters, no conflicts (2 of 4 stars). 2 submissions from 2 submitters: Uncertain significance (2). Last evaluated 2026-02-17.

Conditions:
Hereditary cancer-predisposing syndrome. Also called: Hereditary Cancer Syndrome; Tumor predisposition; Neoplastic Syndromes, Hereditary; Hereditary neoplastic syndrome. Identifiers: Orphanet 140162, MedGen C0027672, MeSH D009386, MONDO:0015356.

Submissions (2):

Ambry Genetics
Classification: Uncertain significance for Hereditary cancer-predisposing syndrome. Last evaluated: 2026-02-17. Review status: criteria provided, single submitter. Criteria: Ambry Variant Classification Scheme 2023. Collection method: clinical testing. Allele origin: germline.
Comment: The c.602-3C>G intronic variant results from a C to G substitution 3 nucleotides upstream from coding exon 2 in the HOXB13 gene. This nucleotide position is well conserved in available vertebrate species. In silico splice site analysis predicts that this alteration may result in the creation or strengthening of a novel splice acceptor site. Based on the available evidence, the clinical significance of this variant remains unclear.

Labcorp Genetics (formerly Invitae), Labcorp
Classification: Uncertain significance. Last evaluated: 2022-12-15. Review status: criteria provided, single submitter. Criteria: Invitae Variant Classification Sherloc (09022015). Collection method: clinical testing. Allele origin: germline.
Comment: This sequence change falls in intron 1 of the HOXB13 gene. It does not directly change the encoded amino acid sequence of the HOXB13 protein. It affects a nucleotide within the consensus splice site. This variant is not present in population databases (gnomAD no frequency). This variant has not been reported in the literature in individuals affected with HOXB13-related conditions. ClinVar contains an entry for this variant (Variation ID: 826140). Variants that disrupt the consensus splice site are a relatively common cause of aberrant splicing (PMID: 17576681, 9536098). Algorithms developed to predict the effect of sequence changes on RNA splicing suggest that this variant may create or strengthen a splice site. In summary, the available evidence is currently insufficient to determine the role of this variant in disease. Therefore, it has been classified as a Variant of Uncertain Significance.

Literature cited by the submitters: PubMed 17576681 (cited by Labcorp Genetics (formerly Invitae), Labcorp); PubMed 9536098 (cited by Labcorp Genetics (formerly Invitae), Labcorp).

NM_006361.6(HOXB13):c.602-3C>G

Gene: HOXB13 (homeobox B13; minus strand). Cytogenetic location: 17q21.32.
Variant type: single nucleotide variant.
Coding change: c.602-3C>G on transcript NM_006361.6 (MANE Select); 3 bases into the intron before coding-DNA position 602, C replaced by G.
Molecular consequence: intron variant.
Genome position (GRCh38, 1-based): chr17:48,727,046, G>C on the plus strand (C>G on the coding strand, the complement: HOXB13 is on the minus strand). VCF-style: chr17-48727046-G-C. GRCh37 (hg19) VCF-style: chr17-46804408-G-C.
Identifiers: ClinVar variation 826140 (VCV000826140.11), dbSNP rs1597933077, ClinGen allele CA915950297.